The following is an entry in ClinVar:

ClinVar aggregate classification (germline): Uncertain significance (1 of 4 stars; one submission).

Allele frequency attached by ClinVar (database versions not stated): gnomAD exomes below 0.00001.
gnomAD v4.1: 1 of 1,614,114 alleles (0.000062%); highest among the groups gnomAD compares: Non-Finnish European, 0.000085%; no homozygotes.

Submission:

Labcorp Genetics (formerly Invitae), Labcorp
Classification: Uncertain significance. Last evaluated: 2023-09-19. Review status: criteria provided, single submitter. Criteria: Invitae Variant Classification Sherloc (09022015). Collection method: clinical testing. Allele origin: germline.
Comment: This variant has not been reported in the literature in individuals affected with GUCA1B-related conditions. This variant is not present in population databases (gnomAD no frequency). This sequence change replaces arginine, which is basic and polar, with serine, which is neutral and polar, at codon 194 of the GUCA1B protein (p.Arg194Ser). In summary, the available evidence is currently insufficient to determine the role of this variant in disease. Therefore, it has been classified as a Variant of Uncertain Significance. An algorithm developed to predict the effect of missense changes on protein structure and function (PolyPhen-2) suggests that this variant is likely to be tolerated.

NM_002098.6(GUCA1B):c.582A>T (p.Arg194Ser)

Gene: GUCA1B (guanylate cyclase activator 1B; minus strand). Cytogenetic location: 6p21.1.
Variant type: single nucleotide variant.
Coding change: c.582A>T on transcript NM_002098.6 (MANE Select); coding-DNA position 582, A replaced by T.
Protein change: p.Arg194Ser; replaces arginine 194 with serine.
Molecular consequence: missense variant.
Genome position (GRCh38, 1-based): chr6:42,184,836, T>A on the plus strand (A>T on the coding strand, the complement: GUCA1B is on the minus strand). VCF-style: chr6-42184836-T-A. GRCh37 (hg19) VCF-style: chr6-42152574-T-A.
Other names: short protein forms R194S.
Identifiers: ClinVar variation 2761558 (VCV002761558.3), dbSNP rs1582329101, ClinGen allele CA364112052.